The following is an entry in ClinVar:

ClinVar aggregate classification (germline): Uncertain significance. Review status: criteria provided, multiple submitters, no conflicts (2 of 4 stars). 4 submissions from 4 submitters: Uncertain significance (4). Last evaluated 2026-01-12.

Conditions:
Hereditary cancer-predisposing syndrome. Also called: Hereditary Cancer Syndrome; Hereditary neoplastic syndrome; Tumor predisposition; Neoplastic Syndromes, Hereditary. Identifiers: Orphanet 140162, MedGen C0027672, MeSH D009386, MONDO:0015356.
Patterned macular dystrophy 2. Identifiers: Orphanet 99001, MedGen C1837029, MONDO:0012162, OMIM 608970.

Allele frequency attached by ClinVar (database versions not stated): TOPMed 0.00001; ESP Exome Variant Server 0.00008; ExAC 0.00002.

Submissions (4):

Labcorp Genetics (formerly Invitae), Labcorp
Classification: Uncertain significance. Last evaluated: 2026-01-12. Review status: criteria provided, single submitter. Criteria: Invitae Variant Classification Sherloc (09022015). Collection method: clinical testing. Allele origin: germline.
Comment: This sequence change replaces arginine, which is basic and polar, with glutamine, which is neutral and polar, at codon 126 of the CTNNA1 protein (p.Arg126Gln). This variant is present in population databases (rs371054484, gnomAD 0.007%). This variant has not been reported in the literature in individuals affected with CTNNA1-related conditions. ClinVar contains an entry for this variant (Variation ID: 639990). An algorithm developed to predict the effect of missense changes on protein structure and function (PolyPhen-2) suggests that this variant is likely to be tolerated. In summary, the available evidence is currently insufficient to determine the role of this variant in disease. Therefore, it has been classified as a Variant of Uncertain Significance.

Ambry Genetics
Classification: Uncertain significance for Hereditary cancer-predisposing syndrome. Last evaluated: 2025-03-26. Review status: criteria provided, single submitter. Criteria: Ambry Variant Classification Scheme 2023. Collection method: clinical testing. Allele origin: germline.
Comment: The p.R126Q variant (also known as c.377G>A), located in coding exon 3 of the CTNNA1 gene, results from a G to A substitution at nucleotide position 377. The arginine at codon 126 is replaced by glutamine, an amino acid with highly similar properties. This amino acid position is highly conserved in available vertebrate species. In addition, this alteration is predicted to be tolerated by in silico analysis. Based on the available evidence, the clinical significance of this variant remains unclear.

GeneDx
Classification: Uncertain significance. Last evaluated: 2024-05-10. Review status: criteria provided, single submitter. Criteria: GeneDx Variant Classification Process June 2021. Collection method: clinical testing. Allele origin: germline.
Comment: Not observed at significant frequency in large population cohorts (gnomAD); In silico analysis supports that this missense variant has a deleterious effect on protein structure/function; This variant is associated with the following publications: (PMID: 32051609, 35731023)

Fulgent Genetics
Classification: Uncertain significance for Patterned macular dystrophy 2. Last evaluated: 2024-02-03. Review status: criteria provided, single submitter. Criteria: ACMG Guidelines, 2015. Collection method: clinical testing. Allele origin: germline.

NM_001903.5(CTNNA1):c.377G>A (p.Arg126Gln)

Gene: CTNNA1 (catenin alpha 1; plus strand). Cytogenetic location: 5q31.2.
Variant type: single nucleotide variant.
Coding change: c.377G>A on transcript NM_001903.5 (MANE Select); coding-DNA position 377, G replaced by A.
Protein change: p.Arg126Gln; replaces arginine 126 with glutamine.
Molecular consequence: missense variant.
Genome position (GRCh38, 1-based): chr5:138,810,113, G>A. VCF-style: chr5-138810113-G-A. GRCh37 (hg19) VCF-style: chr5-138145802-G-A.
Other names: c.377G>A, p.Arg126Gln (NM_001290307.3, NM_001323982.2, NM_001323983.1 and 3 more transcripts); c.68G>A, p.Arg23Gln (NM_001290309.3); c.8G>A, p.Arg3Gln (NM_001290310.3); short protein forms R23Q, R126Q, R3Q.
Identifiers: ClinVar variation 639990 (VCV000639990.15), dbSNP rs371054484, ClinGen allele CA3431432.
Genomic context (GRCh38, chr5:138,810,113, plus strand): 5'-CTGCTGCAGGAGAGTTCGCAGATGATCCCTGCTCTTCTGTGAAGCGAGGCAACATGGTTC[G>A]GGCAGCTCGAGCTTTGCTCTCTGCTGTTACCCGGTTGCTGATTTTGGCTGACATGGCAGA-3'
Protein context (NP_001894.2, residues 116-136): CSSVKRGNMV[Arg126Gln]AARALLSAVT